The following is an entry in ClinVar:

ClinVar aggregate classification (germline): Uncertain significance. Review status: criteria provided, multiple submitters, no conflicts (2 of 4 stars). 2 submissions from 2 submitters: Uncertain significance (2). Last evaluated 2024-10-10.

Conditions:
PCNT-related disorder. Also called: PCNT-related condition.

gnomAD v4.1: 8 of 1,613,880 alleles (0.0005%); highest among the groups gnomAD compares: Admixed American, 0.0067%; no homozygotes.

Submissions (2):

PreventionGenetics, part of Exact Sciences
Classification: Uncertain significance for PCNT-related condition. Last evaluated: 2024-10-10. Review status: criteria provided, single submitter. Criteria: ACMG Guidelines, 2015. Collection method: clinical testing. Allele origin: germline.
Comment: The PCNT c.2716G>A variant is predicted to result in the amino acid substitution p.Glu906Lys. To our knowledge, this variant has not been reported in the literature or in a large population database, indicating this variant is rare. At this time, the clinical significance of this variant is uncertain due to the absence of conclusive functional and genetic evidence.

Labcorp Genetics (formerly Invitae), Labcorp
Classification: Uncertain significance. Last evaluated: 2022-03-11. Review status: criteria provided, single submitter. Criteria: Invitae Variant Classification Sherloc (09022015). Collection method: clinical testing. Allele origin: germline.
Comment: This sequence change replaces glutamic acid, which is acidic and polar, with lysine, which is basic and polar, at codon 906 of the PCNT protein (p.Glu906Lys). This variant is not present in population databases (gnomAD no frequency). This variant has not been reported in the literature in individuals affected with PCNT-related conditions. Algorithms developed to predict the effect of missense changes on protein structure and function output the following: SIFT: "Tolerated"; PolyPhen-2: "Benign"; Align-GVGD: "Class C0". The lysine amino acid residue is found in multiple mammalian species, which suggests that this missense change does not adversely affect protein function. In summary, the available evidence is currently insufficient to determine the role of this variant in disease. Therefore, it has been classified as a Variant of Uncertain Significance.

NM_006031.6(PCNT):c.2716G>A (p.Glu906Lys)

Gene: PCNT (pericentrin; plus strand). Cytogenetic location: 21q22.3.
Variant type: single nucleotide variant.
Coding change: c.2716G>A on transcript NM_006031.6 (MANE Select); coding-DNA position 2716, G replaced by A.
Protein change: p.Glu906Lys; replaces glutamic acid 906 with lysine.
Molecular consequence: missense variant.
Genome position (GRCh38, 1-based): chr21:46,366,690, G>A. VCF-style: chr21-46366690-G-A. GRCh37 (hg19) VCF-style: chr21-47786605-G-A.
Other names: c.2716G>A (NM_006031.5); c.2362G>A, p.Glu788Lys (NM_001315529.2); short protein forms E906K, E788K.
Identifiers: ClinVar variation 1417560 (VCV001417560.6), dbSNP rs2146921088, ClinGen allele CA410569207.